The following is an entry in ClinVar:

ClinVar aggregate classification (germline): Uncertain significance. Review status: criteria provided, multiple submitters, no conflicts (2 of 4 stars). 3 submissions from 3 submitters: Uncertain significance (3). Last evaluated 2025-05-27.

Conditions:
Hereditary cancer-predisposing syndrome. Also called: Hereditary neoplastic syndrome; Neoplastic Syndromes, Hereditary; Tumor predisposition; Hereditary Cancer Syndrome. Identifiers: Orphanet 140162, MedGen C0027672, MeSH D009386, MONDO:0015356.
Fanconi anemia complementation group J. Also called: BRIP1-Related Fanconi Anemia. Identifiers: Orphanet 84, MedGen C1836860, MONDO:0012187, OMIM 609054.
Familial cancer of breast. Also called: BREAST CANCER, FAMILIAL; hereditary breast carcinoma; Hereditary breast cancer. Identifiers: Orphanet 227535, MedGen C0346153, MONDO:0016419, OMIM 114480. Disease mechanism: loss of function.

Submissions (3):

Labcorp Genetics (formerly Invitae), Labcorp
Classification: Uncertain significance for Familial cancer of breast; Fanconi anemia complementation group J. Last evaluated: 2025-05-27. Review status: criteria provided, single submitter. Criteria: Invitae Variant Classification Sherloc (09022015). Collection method: clinical testing. Allele origin: germline.
Comment: This sequence change replaces glycine, which is neutral and non-polar, with valine, which is neutral and non-polar, at codon 809 of the BRIP1 protein (p.Gly809Val). This variant is not present in population databases (gnomAD no frequency). This variant has not been reported in the literature in individuals affected with BRIP1-related conditions. ClinVar contains an entry for this variant (Variation ID: 461107). Invitae Evidence Modeling of protein sequence and biophysical properties (such as structural, functional, and spatial information, amino acid conservation, physicochemical variation, residue mobility, and thermodynamic stability) indicates that this missense variant is expected to disrupt BRIP1 protein function with a positive predictive value of 95%. In summary, the available evidence is currently insufficient to determine the role of this variant in disease. Therefore, it has been classified as a Variant of Uncertain Significance.

Baylor Genetics
Classification: Uncertain significance for Familial cancer of breast. Last evaluated: 2023-06-11. Review status: criteria provided, single submitter. Criteria: ACMG Guidelines, 2015. Collection method: clinical testing. Allele origin: unknown.

Ambry Genetics
Classification: Uncertain significance for Hereditary cancer-predisposing syndrome. Last evaluated: 2023-02-26. Review status: criteria provided, single submitter. Criteria: Ambry Variant Classification Scheme 2023. Collection method: clinical testing. Allele origin: germline.
Comment: The p.G809V variant (also known as c.2426G>T), located in coding exon 16 of the BRIP1 gene, results from a G to T substitution at nucleotide position 2426. The glycine at codon 809 is replaced by valine, an amino acid with dissimilar properties. This amino acid position is highly conserved in available vertebrate species. In addition, this alteration is predicted to be deleterious by in silico analysis. Since supporting evidence is limited at this time, the clinical significance of this alteration remains unclear.

NM_032043.3(BRIP1):c.2426G>T (p.Gly809Val)

Gene: BRIP1 (BRCA1 interacting DNA helicase 1; minus strand). Cytogenetic location: 17q23.2.
Variant type: single nucleotide variant.
Coding change: c.2426G>T on transcript NM_032043.3 (MANE Select); coding-DNA position 2426, G replaced by T.
Protein change: p.Gly809Val; replaces glycine 809 with valine.
Molecular consequence: missense variant.
Genome position (GRCh38, 1-based): chr17:61,716,017, C>A on the plus strand (G>T on the coding strand, the complement: BRIP1 is on the minus strand). VCF-style: chr17-61716017-C-A. GRCh37 (hg19) VCF-style: chr17-59793378-C-A.
Other names: short protein forms G809V.
Identifiers: ClinVar variation 461107 (VCV000461107.15), dbSNP rs1555580886, ClinGen allele CA400479659.